The following is an entry in ClinVar:

ClinVar aggregate classification (germline): Uncertain significance. Review status: criteria provided, multiple submitters, no conflicts (2 of 4 stars). 2 submissions from 2 submitters: Uncertain significance (2). Last evaluated 2025-11-23.

Allele frequency attached by ClinVar (database versions not stated): ExAC 0.00002; gnomAD 0.00002.
gnomAD v4.1: 29 of 1,613,690 alleles (0.0018%); highest among the groups gnomAD compares: South Asian, 0.032%; 2 homozygotes.

Submissions (2):

Labcorp Genetics (formerly Invitae), Labcorp
Classification: Uncertain significance. Last evaluated: 2025-11-23. Review status: criteria provided, single submitter. Criteria: Invitae Variant Classification Sherloc (09022015). Collection method: clinical testing. Allele origin: germline.
Comment: This sequence change replaces glycine, which is neutral and non-polar, with serine, which is neutral and polar, at codon 1049 of the ITGAM protein (p.Gly1049Ser). This variant is present in population databases (rs770683339, gnomAD 0.03%). This variant has not been reported in the literature in individuals affected with ITGAM-related conditions. ClinVar contains an entry for this variant (Variation ID: 2411055). An algorithm developed to predict the effect of missense changes on protein structure and function outputs the following: PolyPhen-2: "Possibly Damaging". The serine amino acid residue is found in multiple mammalian species, which suggests that this missense change does not adversely affect protein function. In summary, the available evidence is currently insufficient to determine the role of this variant in disease. Therefore, it has been classified as a Variant of Uncertain Significance.

Ambry Genetics
Classification: Uncertain significance. Last evaluated: 2021-08-12. Review status: criteria provided, single submitter. Criteria: Ambry Variant Classification Scheme 2023. Collection method: clinical testing. Allele origin: germline.

NM_000632.4(ITGAM):c.3145G>A (p.Gly1049Ser)

Gene: ITGAM (integrin subunit alpha M; plus strand). Cytogenetic location: 16p11.2.
Variant type: single nucleotide variant.
Coding change: c.3145G>A on transcript NM_000632.4 (MANE Select); coding-DNA position 3145, G replaced by A.
Protein change: p.Gly1049Ser; replaces glycine 1049 with serine.
Molecular consequence: missense variant.
Genome position (GRCh38, 1-based): chr16:31,330,392, G>A. VCF-style: chr16-31330392-G-A. GRCh37 (hg19) VCF-style: chr16-31341713-G-A.
Other names: c.3148G>A, p.Gly1050Ser (NM_001145808.2); short protein forms G1050S, G1049S.
Identifiers: ClinVar variation 2411055 (VCV002411055.4), dbSNP rs770683339, ClinGen allele CA8026090.